The following is an entry in ClinVar:

ClinVar aggregate classification (germline): Conflicting classifications of pathogenicity. Review status: criteria provided, conflicting classifications (1 of 4 stars). 3 submissions from 3 submitters: Uncertain significance (2); Likely benign (1). Last evaluated 2025-05-01.

Conditions:
Duane-radial ray syndrome (DRRS). Also called: ACRORENOOCULAR SYNDROME; DR SYNDROME; DUANE ANOMALY WITH RADIAL RAY ABNORMALITIES AND DEAFNESS; Okihiro Syndrome; Duane-Radial Ray Syndrome/Okihiro Syndrome; Duane-Radial Ray Syndrome (DRRS) / Okihiro Syndrome. Identifiers: Orphanet 93293, Orphanet 959, MedGen C1623209, MONDO:0011812, OMIM 607323. Disease mechanism: gain of function.
Inborn genetic diseases. Identifiers: MedGen C0950123, MeSH D030342.

gnomAD v4.1: 36 of 1,613,902 alleles (0.0022%); highest among the groups gnomAD compares: Non-Finnish European, 0.0027%; 1 homozygote.

Submissions (3):

Ambry Genetics
Classification: Uncertain significance for Inborn genetic diseases. Last evaluated: 2025-05-01. Review status: criteria provided, single submitter. Criteria: Ambry Variant Classification Scheme 2023. Collection method: clinical testing. Allele origin: germline.

Labcorp Genetics (formerly Invitae), Labcorp
Classification: Uncertain significance for Duane-radial ray syndrome. Last evaluated: 2025-02-25. Review status: criteria provided, single submitter. Criteria: Invitae Variant Classification Sherloc (09022015). Collection method: clinical testing. Allele origin: germline.
Comment: This sequence change replaces tyrosine, which is neutral and polar, with cysteine, which is neutral and slightly polar, at codon 457 of the SALL4 protein (p.Tyr457Cys). This variant is present in population databases (rs749389297, gnomAD 0.01%), including at least one homozygous and/or hemizygous individual. This variant has not been reported in the literature in individuals affected with SALL4-related conditions. An algorithm developed to predict the effect of missense changes on protein structure and function outputs the following: PolyPhen-2: "Benign". The cysteine amino acid residue is found in multiple mammalian species, which suggests that this missense change does not adversely affect protein function. In summary, the available evidence is currently insufficient to determine the role of this variant in disease. Therefore, it has been classified as a Variant of Uncertain Significance.

Blueprint Genetics
Classification: Likely benign. Last evaluated: 2024-07-01. Review status: criteria provided, single submitter. Criteria: ACMG Guidelines, 2015. Collection method: clinical testing. Allele origin: germline.

NM_020436.5(SALL4):c.1370A>G (p.Tyr457Cys)

Gene: SALL4 (spalt like transcription factor 4; minus strand). Cytogenetic location: 20q13.2.
Variant type: single nucleotide variant.
Coding change: c.1370A>G on transcript NM_020436.5 (MANE Select); coding-DNA position 1370, A replaced by G.
Protein change: p.Tyr457Cys; replaces tyrosine 457 with cysteine.
Molecular consequence: missense variant. On other transcripts: intron variant (1).
Genome position (GRCh38, 1-based): chr20:51,791,113, T>C on the plus strand (A>G on the coding strand, the complement: SALL4 is on the minus strand). VCF-style: chr20-51791113-T-C. GRCh37 (hg19) VCF-style: chr20-50407652-T-C.
Other names: c.1150+220A>G (NM_001318031.2); short protein forms Y457C.
Identifiers: ClinVar variation 3949351 (VCV003949351.3).